The following is an entry in ClinVar:

NM_000256.3(MYBPC3):c.1227-7C>T

Gene: MYBPC3 (myosin binding protein C3; minus strand). Cytogenetic location: 11p11.2.
Variant type: single nucleotide variant.
Coding change: c.1227-7C>T on transcript NM_000256.3 (MANE Select); 7 bases into the intron before coding-DNA position 1227, C replaced by T.
Molecular consequence: intron variant.
Genome position (GRCh38, 1-based): chr11:47,343,152, G>A on the plus strand (C>T on the coding strand, the complement: MYBPC3 is on the minus strand). VCF-style: chr11-47343152-G-A. GRCh37 (hg19) VCF-style: chr11-47364703-G-A.
Identifiers: ClinVar variation 2584856 (VCV002584856.1), dbSNP rs1280236006, ClinGen allele CA677001173.

ClinVar aggregate classification (germline): Uncertain significance (1 of 4 stars; one submission).

Conditions:
Left ventricular noncompaction 10 (LVNC10). Identifiers: Orphanet 154, Orphanet 54260, MedGen C3715165, MONDO:0014163, OMIM 615396.

Allele frequency attached by ClinVar (database versions not stated): gnomAD exomes below 0.00001; gnomAD 0.00001; TOPMed 0.00001.
gnomAD v4.1: 2 of 1,608,654 alleles (0.00012%); highest among the groups gnomAD compares: African/African-American, 0.0013%; no homozygotes.

Submission:

Neuberg Centre For Genomic Medicine, NCGM
Classification: Uncertain significance for Left ventricular noncompaction 10. Review status: criteria provided, single submitter. Criteria: ACMG Guidelines, 2015. Collection method: clinical testing. Allele origin: germline. Inheritance: Autosomal dominant inheritance. Affected: yes.
Comment: The splice site c.1227-7C>T variant has not been reported previously as a pathogenic variant nor as a benign variant, to our knowledge. The c.1227-7C>T variant is novel (not in any individuals) in gnomAD Exomes and 1000 Genomes. For these reasons, this variant has been classified as Uncertain significance.